The following is an entry in ClinVar:

NM_020821.3(VPS13C):c.8160C>A (p.Gly2720=)

Gene: VPS13C (vacuolar protein sorting 13 homolog C; minus strand). Cytogenetic location: 15q22.2.
Variant type: single nucleotide variant.
Coding change: c.8160C>A on transcript NM_020821.3 (MANE Select); coding-DNA position 8160, C replaced by A.
Protein change: p.Gly2720=; no amino-acid change (glycine 2720 retained).
Molecular consequence: synonymous variant.
Genome position (GRCh38, 1-based): chr15:61,915,918, G>T on the plus strand (C>A on the coding strand, the complement: VPS13C is on the minus strand). VCF-style: chr15-61915918-G-T. GRCh37 (hg19) VCF-style: chr15-62208117-G-T.
Other names: c.8160C>A, p.Gly2720= (NM_001018088.3); c.8031C>A, p.Gly2677= (NM_017684.5, NM_018080.4).
Identifiers: ClinVar variation 3047702 (VCV003047702.2), dbSNP rs377113334, ClinGen allele CA271888045.

ClinVar aggregate classification (germline): Likely benign (0 of 4 stars; one submission).

Conditions:
VPS13C-related disorder. Also called: VPS13C-related condition.

gnomAD v4.1: 10 of 1,613,800 alleles (0.00062%); highest among the groups gnomAD compares: Middle Eastern, 0.016%; no homozygotes.

Submission:

PreventionGenetics, part of Exact Sciences
Classification: Likely benign for VPS13C-related condition. Last evaluated: 2019-03-04. Review status: no assertion criteria provided. Collection method: clinical testing. Allele origin: germline.
Comment: This variant is classified as likely benign based on ACMG/AMP sequence variant interpretation guidelines (Richards et al. 2015 PMID: 25741868, with internal and published modifications).